The following is an entry in ClinVar:

NM_018406.7(MUC4):c.11609C>T (p.Ala3870Val)

Gene: MUC4 (mucin 4, cell surface associated). Cytogenetic location: 3q29.
Variant type: single nucleotide variant.
Coding change: c.11609C>T on transcript NM_018406.7 (MANE Select); coding-DNA position 11609, C replaced by T.
Protein change: p.Ala3870Val; replaces alanine 3870 with valine.
Molecular consequence: missense variant. On other transcripts: genic upstream transcript variant (2).
Genome position (GRCh38, 1-based): chr3:195,779,971, G>A on the plus strand (C>T on the coding strand, the complement: MUC4 is on the minus strand). VCF-style: chr3-195779971-G-A. GRCh37 (hg19) VCF-style: chr3-195506842-G-A.
Other names: c.16667C>T, p.Ala5556Val (NM_001322468.1); c.83-5666C>T (NM_138297.5); c.83-1516C>T (NM_004532.6); short protein forms A3870V, A5556V.
Identifiers: ClinVar variation 2654403 (VCV002654403.24), dbSNP rs181544905, ClinGen allele CA2769352.

ClinVar aggregate classification (germline): Likely benign (1 of 4 stars; one submission).

Allele frequency attached by ClinVar (database versions not stated): gnomAD 0.00192; 1000 Genomes Project 0.00260; ExAC 0.00384.
gnomAD v4.1: 3,227 of 1,445,536 alleles (0.22%); highest among the groups gnomAD compares: South Asian, 0.39%; 55 homozygotes.

Submission:

CeGaT Center for Human Genetics Tuebingen
Classification: Likely benign. Last evaluated: 2026-01-01. Review status: criteria provided, single submitter. Criteria: CeGaT Center For Human Genetics Tuebingen Variant Classification Criteria Version 2. Collection method: clinical testing. Allele origin: germline. Affected: yes. Observed: 10 variant alleles.
Comment: MUC4: BP4, BS2